The following is an entry in ClinVar:

NM_024675.4(PALB2):c.2515-24A>G

Gene: PALB2 (partner and localizer of BRCA2; minus strand). Cytogenetic location: 16p12.2.
Variant type: single nucleotide variant.
Coding change: c.2515-24A>G on transcript NM_024675.4 (MANE Select); 24 bases into the intron before coding-DNA position 2515, A replaced by G.
Molecular consequence: intron variant.
Genome position (GRCh38, 1-based): chr16:23,629,299, T>C on the plus strand (A>G on the coding strand, the complement: PALB2 is on the minus strand). VCF-style: chr16-23629299-T-C. GRCh37 (hg19) VCF-style: chr16-23640620-T-C.
Identifiers: ClinVar variation 126658 (VCV000126658.2), dbSNP rs515726089, ClinGen allele CA211206.

ClinVar aggregate classification (germline): Likely benign (0 of 4 stars; one submission).

Allele frequency attached by ClinVar (database versions not stated): gnomAD exomes below 0.00001; gnomAD 0.00001.
gnomAD v4.1: 2 of 1,591,850 alleles (0.00013%); highest among the groups gnomAD compares: Non-Finnish European, 0.00017%; no homozygotes.

Submission:

Leiden Open Variation Database
Classification: Likely benign. Last evaluated: 2019-05-13. Review status: no assertion criteria provided. Collection method: curation. Allele origin: germline. Affected: yes.
Comment: Curators: Marc Tischkowitz, Arleen D. Auerbach. Submitter to LOVD: Marc Tischkowitz.

Literature cited by the submitters: PubMed 19264984; PubMed 21932393.